The following is an entry in ClinVar:

NM_004006.3(DMD):c.-54T>A

Gene: DMD (dystrophin; minus strand). Cytogenetic location: Xp21.1.
Variant type: single nucleotide variant.
Coding change: c.-54T>A on transcript NM_004006.3 (MANE Select); 54 bases upstream of the start codon, T replaced by A.
Molecular consequence: 5 prime UTR variant. On other transcripts: intron variant (1).
Genome position (GRCh38, 1-based): chrX:33,211,366, A>T on the plus strand (T>A on the coding strand, the complement: DMD is on the minus strand). VCF-style: chrX-33211366-A-T. GRCh37 (hg19) VCF-style: chrX-33229483-A-T.
Other names: c.7+127893T>A (NM_000109.4).
Identifiers: ClinVar variation 3375351 (VCV003375351.1).

ClinVar aggregate classification (germline): Uncertain significance (1 of 4 stars; one submission).

Submission:

Women's Health and Genetics/Laboratory Corporation of America, LabCorp
Classification: Uncertain significance. Last evaluated: 2024-09-30. Review status: criteria provided, single submitter. Criteria: LabCorp Variant Classification Summary - May 2015. Collection method: clinical testing. Allele origin: germline.
Comment: Variant summary: DMD c.-54T>A is located in the untranslated mRNA region upstream of the initiation codon. The variant was absent in 164457 control chromosomes. c.-54T>A has been reported in the literature in at-least two individuals affected with Dystrophinopathies (Flanigan_2009, Lin_2021, Wang_2019). These data indicate that the variant may be associated with disease. To our knowledge, no experimental evidence demonstrating an impact on protein function has been reported. The following publications have been ascertained in the context of this evaluation (PMID: 19937601, 34421809, 30833962). No submitters have cited clinical-significance assessments for this variant to ClinVar. Based on the evidence outlined above, the variant was classified as VUS-possibly pathogenic.

Literature cited by the submitters: PubMed 19937601; PubMed 30833962; PubMed 34421809.